The following is an entry in ClinVar:

ClinVar aggregate classification (germline): Likely pathogenic (1 of 4 stars; one submission).

Allele frequency attached by ClinVar (database versions not stated): gnomAD exomes 0.00001.

Submission:

GeneDx
Classification: Likely pathogenic. Last evaluated: 2018-05-17. Review status: criteria provided, single submitter. Criteria: GeneDx Variant Classification (06012015). Collection method: clinical testing. Allele origin: germline. Affected: yes.
Comment: The c.70dupG variant in the FA2H gene has not been reported previously as a pathogenic variant nor as a benign variant, to our knowledge. The c.70dupG variant causes a frameshift starting with codon Alanine 24, changes this amino acid to a Glycine residue, and creates a premature Stop codon at position 78 of the new reading frame, denoted p.Ala24GlyfsX78. This variant is predicted to cause loss of normal protein function either through protein truncation or nonsense-mediated mRNA decay. The c.70dupG variant was not observed in approximately 1800 individuals of European and African American ancestry in the NHLBI Exome Sequencing Project, indicating it is not a common benign variant in these populations. Therefore, the c.70dupG is a strong candidate for a pathogenic variant, however the possibility it may be a rare benign variant cannot be excluded.

NM_024306.5(FA2H):c.70dup (p.Ala24fs)

Genes: FA2H (fatty acid 2-hydroxylase; minus strand), LOC130059394 (ATAC-STARR-seq lymphoblastoid silent region 7701; plus strand). Cytogenetic location: 16q23.1.
Variant type: Duplication.
Coding change: c.70dup on transcript NM_024306.5 (MANE Select); coding-DNA position 70, one base duplicated (G; older notation c.70dupG).
Protein change: p.Ala24fs; shifts the reading frame from alanine 24.
Molecular consequence: frameshift variant.
Genome position (GRCh38, 1-based): chr16:74,774,686, C duplicated on the plus strand (G on the coding strand, the reverse complement: FA2H is on the minus strand). VCF-style (leftmost placement, unchanged base first): chr16-74774685-G-GC. GRCh37 (hg19) VCF-style: chr16-74808583-G-GC.
Other names: short protein forms A24fs.
Identifiers: ClinVar variation 817062 (VCV000817062.1), dbSNP rs1597577795, ClinGen allele CA915949348.